The following is an entry in ClinVar:

ClinVar aggregate classification (germline): Uncertain significance (1 of 4 stars; one submission).

Conditions:
Fanconi anemia (FA). Also called: Fanconi's anemia. Identifiers: Orphanet 84, MedGen C0015625, MeSH D005199, MONDO:0019391.

gnomAD v4.1: 4 of 1,602,640 alleles (0.00025%); highest among the groups gnomAD compares: Non-Finnish European, 0.00034%; no homozygotes.

Submission:

Labcorp Genetics (formerly Invitae), Labcorp
Classification: Uncertain significance for Fanconi anemia. Last evaluated: 2025-10-21. Review status: criteria provided, single submitter. Criteria: Invitae Variant Classification Sherloc (09022015). Collection method: clinical testing. Allele origin: germline.
Comment: This sequence change replaces proline, which is neutral and non-polar, with leucine, which is neutral and non-polar, at codon 1255 of the FANCM protein (p.Pro1255Leu). This variant is not present in population databases (gnomAD no frequency). This variant has not been reported in the literature in individuals affected with FANCM-related conditions. ClinVar contains an entry for this variant (Variation ID: 3711916). An algorithm developed to predict the effect of missense changes on protein structure and function outputs the following: PolyPhen-2: "Benign". The leucine amino acid residue is found in multiple mammalian species, which suggests that this missense change does not adversely affect protein function. In summary, the available evidence is currently insufficient to determine the role of this variant in disease. Therefore, it has been classified as a Variant of Uncertain Significance.

NM_020937.4(FANCM):c.3764C>T (p.Pro1255Leu)

Gene: FANCM (FA complementation group M; plus strand). Cytogenetic location: 14q21.2.
Variant type: single nucleotide variant.
Coding change: c.3764C>T on transcript NM_020937.4 (MANE Select); coding-DNA position 3764, C replaced by T.
Protein change: p.Pro1255Leu; replaces proline 1255 with leucine.
Molecular consequence: missense variant.
Genome position (GRCh38, 1-based): chr14:45,176,518, C>T. VCF-style: chr14-45176518-C-T. GRCh37 (hg19) VCF-style: chr14-45645721-C-T.
Other names: c.3686C>T, p.Pro1229Leu (NM_001308133.2); short protein forms P1255L, P1229L.
Identifiers: ClinVar variation 3711916 (VCV003711916.2).